The following is an entry in ClinVar:

ClinVar aggregate classification (germline): Likely benign (1 of 4 stars; one submission).

Conditions:
SPTBN1-related disorder. Also called: SPTBN1-related condition.

gnomAD v4.1: 6 of 1,578,636 alleles (0.00038%); highest among the groups gnomAD compares: Admixed American, 0.0054%; no homozygotes.

Submission:

PreventionGenetics, part of Exact Sciences
Classification: Likely benign for SPTBN1-related condition. Last evaluated: 2025-02-01. Review status: criteria provided, single submitter. Criteria: ACMG Guidelines, 2015. Collection method: clinical testing. Allele origin: germline.
Comment: This variant is classified as likely benign based on ACMG/AMP sequence variant interpretation guidelines (Richards et al. 2015 PMID: 25741868, with internal and published modifications).

NM_003128.3(SPTBN1):c.1799-5A>T

Gene: SPTBN1 (spectrin beta, non-erythrocytic 1; plus strand). Cytogenetic location: 2p16.2.
Variant type: single nucleotide variant.
Coding change: c.1799-5A>T on transcript NM_003128.3 (MANE Select); 5 bases into the intron before coding-DNA position 1799, A replaced by T.
Molecular consequence: intron variant.
Genome position (GRCh38, 1-based): chr2:54,628,928, A>T. VCF-style: chr2-54628928-A-T. GRCh37 (hg19) VCF-style: chr2-54856065-A-T.
Other names: c.1760-5A>T (NM_178313.3).
Identifiers: ClinVar variation 4986945 (VCV004986945.1).